The following is an entry in ClinVar:

ClinVar aggregate classification (germline): Likely benign. Review status: criteria provided, multiple submitters, no conflicts (2 of 4 stars). 3 submissions from 3 submitters: Likely benign (3). Last evaluated 2026-10-01.

Conditions:
Frontotemporal dementia (FTD1). Also called: FRONTOTEMPORAL DEMENTIA WITH PARKINSONISM; FRONTOTEMPORAL LOBE DEMENTIA; MULTIPLE SYSTEM TAUOPATHY WITH PRESENILE DEMENTIA; WILHELMSEN-LYNCH DISEASE; Frontotemporal lobe dementia (FLDEM); Dementia, frontotemporal, with or without parkinsonism. Identifiers: Orphanet 282, MedGen C0338451, MONDO:0017276, OMIM 600274, HP:0002145.

Allele frequency attached by ClinVar (database versions not stated): gnomAD exomes 0.00002 and 0.00004; ExAC 0.00003; TOPMed 0.00003; gnomAD 0.00004 and 0.00005.
gnomAD v4.1: 41 of 1,612,444 alleles (0.0025%); highest among the groups gnomAD compares: Middle Eastern, 0.02%; no homozygotes.

Submissions (3):

CeGaT Center for Human Genetics Tuebingen
Classification: Likely benign. Last evaluated: 2026-10-01. Review status: criteria provided, single submitter. Criteria: CeGaT Center For Human Genetics Tuebingen Variant Classification Criteria Version 2. Collection method: clinical testing. Allele origin: germline. Affected: yes. Observed: 1 variant allele.
Comment: MAPT: BP4, BP7

Labcorp Genetics (formerly Invitae), Labcorp
Classification: Likely benign for Frontotemporal dementia. Last evaluated: 2024-11-15. Review status: criteria provided, single submitter. Criteria: Invitae Variant Classification Sherloc (09022015). Collection method: clinical testing. Allele origin: germline.

Blueprint Genetics
Classification: Likely benign. Last evaluated: 2024-07-10. Review status: criteria provided, single submitter. Criteria: ACMG Guidelines, 2015. Collection method: clinical testing. Allele origin: germline.

NM_001377265.1(MAPT):c.42C>T (p.His14=)

Gene: MAPT (microtubule associated protein tau). Cytogenetic location: 17q21.31.
Variant type: single nucleotide variant.
Coding change: c.42C>T on transcript NM_001377265.1 (MANE Select); coding-DNA position 42, C replaced by T.
Protein change: p.His14=; no amino-acid change (histidine 14 retained).
Molecular consequence: synonymous variant. On other transcripts: non-coding transcript variant (1).
Genome position (GRCh38, 1-based): chr17:45,962,379, C>T. VCF-style: chr17-45962379-C-T. GRCh37 (hg19) VCF-style: chr17-44039745-C-T.
Other names: c.42C>T, p.His14= (NM_001123066.4, NM_001123067.4, NM_001203251.2 and 8 more transcripts).
Identifiers: ClinVar variation 1589624 (VCV001589624.10), dbSNP rs759306195, ClinGen allele CA8617500.
Genomic context (GRCh38, chr17:45,962,379, plus strand): 5'-AGGTGAACTTTGAACCAGGATGGCTGAGCCCCGCCAGGAGTTCGAAGTGATGGAAGATCA[C>T]GCTGGGACGTACGGGTTGGGGGACAGGAAAGATCAGGGGGGCTACACCATGCACCAAGAC-3'
Protein context (NP_001364194.1, residues 4-24): PRQEFEVMED[His14=]AGTYGLGDRK